The following is an entry in ClinVar:

ClinVar aggregate classification (germline): Uncertain significance (1 of 4 stars; one submission).

Conditions:
Bardet-Biedl syndrome (BBS). Identifiers: Orphanet 110, MedGen C0752166, MONDO:0015229.

gnomAD v4.1: 38 of 1,613,060 alleles (0.0024%); highest among the groups gnomAD compares: Non-Finnish European, 0.0031%; no homozygotes.

Submission:

Labcorp Genetics (formerly Invitae), Labcorp
Classification: Uncertain significance for Bardet-Biedl syndrome. Last evaluated: 2025-11-11. Review status: criteria provided, single submitter. Criteria: Invitae Variant Classification Sherloc (09022015). Collection method: clinical testing. Allele origin: germline.
Comment: This sequence change replaces phenylalanine, which is neutral and non-polar, with cysteine, which is neutral and slightly polar, at codon 4 of the BBS9 protein (p.Phe4Cys). This variant is not present in population databases (gnomAD no frequency). This variant has not been reported in the literature in individuals affected with BBS9-related conditions. ClinVar contains an entry for this variant (Variation ID: 1002840). Invitae Evidence Modeling of protein sequence and biophysical properties (such as structural, functional, and spatial information, amino acid conservation, physicochemical variation, residue mobility, and thermodynamic stability) indicates that this missense variant is expected to disrupt BBS9 protein function with a positive predictive value of 80%. In summary, the available evidence is currently insufficient to determine the role of this variant in disease. Therefore, it has been classified as a Variant of Uncertain Significance.

NM_198428.3(BBS9):c.11T>G (p.Phe4Cys)

Gene: BBS9 (Bardet-Biedl syndrome 9; plus strand). Cytogenetic location: 7p14.3.
Variant type: single nucleotide variant.
Coding change: c.11T>G on transcript NM_198428.3 (MANE Select); coding-DNA position 11, T replaced by G.
Protein change: p.Phe4Cys; replaces phenylalanine 4 with cysteine.
Molecular consequence: missense variant. On other transcripts: 5 prime UTR variant (3), non-coding transcript variant (3), intron variant (4).
Genome position (GRCh38, 1-based): chr7:33,146,263, T>G. VCF-style: chr7-33146263-T-G. GRCh37 (hg19) VCF-style: chr7-33185875-T-G.
Other names: c.11T>G, p.Phe4Cys (NM_001033604.2, NM_001033605.2, NM_001348036.1 and 5 more transcripts); c.-291T>G (NM_001348037.3); c.-267T>G (NM_001348038.3, NM_001348039.3); c.-23-6438T>G (NM_001348042.3); c.-189-6438T>G (NM_001348045.3); c.-39+16222T>G (NM_001348046.3, NM_001348044.3); short protein forms F4C.
Identifiers: ClinVar variation 1002840 (VCV001002840.8), dbSNP rs746345067, ClinGen allele CA367189108.
Genomic context (GRCh38, chr7:33,146,263, plus strand): 5'-ATAGTGTGAAGTAGATTATTATAAATGTTTTCTTTTTAGTGTGAAAGAAAATGTCTTTAT[T>G]TAAAGCCCGTGATTGGTGGTCTACTATTCTGGGAGATAAAGAAGAATTTGATCAAGGCTG-3'
Protein context (NP_940820.1, residues 1-14): MSL[Phe4Cys]KARDWWSTIL